The following is an entry in ClinVar:

ClinVar aggregate classification (germline): Likely pathogenic (1 of 4 stars; one submission).

Conditions:
PMM2-congenital disorder of glycosylation. Also called: Congenital disorder of glycosylation, type Ia; CDG Ia; JAEKEN SYNDROME; PHOSPHOMANNOMUTASE 2 DEFICIENCY; CARBOHYDRATE-DEFICIENT GLYCOPROTEIN SYNDROME, TYPE Ia; PMM2-CDG. Identifiers: Orphanet 79318, MedGen C0349653, MONDO:0008907, OMIM 212065.

Submission:

Natera, Inc.
Classification: Likely pathogenic for Congenital disorder of glycosylation type 1a. Last evaluated: 2025-05-12. Review status: criteria provided, single submitter. Criteria: Natera Variant Classification Schema (03/2026). Collection method: clinical testing. Allele origin: germline.
Comment: The c.249_250insCTACTTGTGT variant in PMM2 is a frameshift variant predicted to shift the reading frame beginning at codon 84 and leads to a stop codon 4 codons downstream. This variant is expected to result in nonsense mediated decay, truncation, or a dysfunctional protein product. This variant is rare in the general population with a frequency below the threshold expected for the associated phenotype(s). Given the available evidence, this variant is classified as Likely Pathogenic.

NM_000303.3(PMM2):c.249_250insCTACTTGTGT (p.Arg84delinsLeuLeuValTer)

Gene: PMM2 (phosphomannomutase 2; plus strand). Cytogenetic location: 16p13.2.
Variant type: Insertion.
Coding change: c.249_250insCTACTTGTGT on transcript NM_000303.3 (MANE Select); coding-DNA positions 249 to 250, CTACTTGTGT inserted.
Protein change: p.Arg84delinsLeuLeuValTer.
Molecular consequence: nonsense.
Genome position: GRCh38 VCF-style: chr16-8804830-T-TCTTGTGTCTA. GRCh37 (hg19) VCF-style: chr16-8898687-T-TCTTGTGTCTA.
Identifiers: ClinVar variation 4060426 (VCV004060426.2).
Genomic context (GRCh38, chr16:8,804,830, plus strand): 5'-TTGAAAAATACGATTATGTGTTTCCAGAAAATGGCTTGGTAGCATACAAAGATGGGAAAC[T>TCTTGTGTCTA]CTTGTGTAGACAGGTAGGTTCTTGAGTATCTGAATTACTATATACTATTAAAAGTGTTTT-3'